The following is an entry in ClinVar:

ClinVar aggregate classification (germline): Pathogenic (1 of 4 stars; one submission).

Conditions:
Hereditary cancer-predisposing syndrome. Also called: Hereditary Cancer Syndrome; Hereditary neoplastic syndrome; Tumor predisposition; Neoplastic Syndromes, Hereditary. Identifiers: Orphanet 140162, MedGen C0027672, MeSH D009386, MONDO:0015356.

Submission:

Ambry Genetics
Classification: Pathogenic for Hereditary cancer-predisposing syndrome. Last evaluated: 2022-09-28. Review status: criteria provided, single submitter. Criteria: Ambry Variant Classification Scheme 2023. Collection method: clinical testing. Allele origin: germline.
Comment: The c.1097_1100dupGCTA pathogenic mutation, located in coding exon 7 of the MSH3 gene, results from a duplication of GCTA at nucleotide position 1097, causing a translational frameshift with a predicted alternate stop codon (p.Y367*). This variant is considered to be rare based on population cohorts in the Genome Aggregation Database (gnomAD). This alteration is expected to result in loss of function by premature protein truncation or nonsense-mediated mRNA decay. As such, this alteration is interpreted as a disease-causing mutation.

NM_002439.5(MSH3):c.1097_1100dup (p.Tyr367Ter)

Gene: MSH3 (mutS homolog 3; plus strand). Cytogenetic location: 5q14.1.
Variant type: Duplication.
Coding change: c.1097_1100dup on transcript NM_002439.5 (MANE Select); coding-DNA positions 1097 to 1100, 4 bases duplicated (GCTA; older notation c.1097_1100dupGCTA).
Protein change: p.Tyr367Ter; replaces tyrosine 367 with a stop codon.
Molecular consequence: nonsense.
Genome position (GRCh38, 1-based): chr5:80,675,052-80,675,055, GCTA duplicated; duplicating any 4 consecutive bases within chr5:80,675,051-80,675,055 gives the same sequence; the c. name uses the placement nearest the transcript's 3' end. VCF-style (leftmost placement, unchanged base first): chr5-80675050-C-CAGCT. GRCh37 (hg19) VCF-style: chr5-79970869-C-CAGCT.
Other names: short protein forms Y367*.
Identifiers: ClinVar variation 1790794 (VCV001790794.2), dbSNP rs2546724290, ClinGen allele CA2580073621.
Genomic context (GRCh38, chr5:80,675,050, plus strand): 5'-TCCCCTAATCAAGCTGGATGATGCTGTAAATGTTGATGAGATAATGACTGATACTTCTAC[C>CAGCT]AGCTATCTTCTGTGCATCTCTGAAAATAAGGAAAATGTTAGGGACAAAAAAAAGGGCAAC-3'